The following is an entry in ClinVar:

ClinVar aggregate classification (germline): Benign/Likely benign. Review status: criteria provided, multiple submitters, no conflicts (2 of 4 stars). 3 submissions from 3 submitters: Benign (1); Likely benign (2). Last evaluated 2026-06-05.

Conditions:
Hereditary cancer-predisposing syndrome. Also called: Neoplastic Syndromes, Hereditary; Hereditary Cancer Syndrome; Hereditary neoplastic syndrome; Tumor predisposition. Identifiers: Orphanet 140162, MedGen C0027672, MeSH D009386, MONDO:0015356.
Gastrointestinal stromal tumor. Also called: Gastrointestinal stromal tumor, somatic; Gastrointestinal stroma tumor. Identifiers: Orphanet 44890, MedGen C0238198, MeSH D046152, MONDO:0011719, OMIM 606764, HP:0100723.

Allele frequency attached by ClinVar (database versions not stated): TOPMed below 0.00001; gnomAD 0.00001; gnomAD exomes 0.00001.
gnomAD v4.1: 6 of 1,613,980 alleles (0.00037%); highest among the groups gnomAD compares: Non-Finnish European, 0.00051%; no homozygotes.

Submissions (3):

Myriad Genetics, Inc.
Classification: Benign for Gastrointestinal stromal tumor. Last evaluated: 2026-06-05. Review status: criteria provided, single submitter. Criteria: Myriad Autosomal Dominant, Autosomal Recessive and X-Linked Classification Criteria (2023). Collection method: clinical testing. Allele origin: unknown.
Comment: This variant is considered benign. This variant is a silent/synonymous amino acid change and it is not expected to impact splicing.

Labcorp Genetics (formerly Invitae), Labcorp
Classification: Likely benign for Gastrointestinal stromal tumor. Last evaluated: 2025-11-03. Review status: criteria provided, single submitter. Criteria: Invitae Variant Classification Sherloc (09022015). Collection method: clinical testing. Allele origin: germline.

Ambry Genetics
Classification: Likely benign for Hereditary cancer-predisposing syndrome. Last evaluated: 2023-11-22. Review status: criteria provided, single submitter. Criteria: Ambry Variant Classification Scheme 2023. Collection method: clinical testing. Allele origin: germline.

NM_000222.3(KIT):c.2871C>T (p.Ile957=)

Gene: KIT (KIT proto-oncogene, receptor tyrosine kinase; plus strand). Cytogenetic location: 4q12.
Variant type: single nucleotide variant.
Coding change: c.2871C>T on transcript NM_000222.3 (MANE Select); coding-DNA position 2871, C replaced by T.
Protein change: p.Ile957=; no amino-acid change (isoleucine 957 retained).
Molecular consequence: synonymous variant.
Genome position (GRCh38, 1-based): chr4:54,738,497, C>T. VCF-style: chr4-54738497-C-T. GRCh37 (hg19) VCF-style: chr4-55604663-C-T.
Other names: c.2859C>T, p.Ile953= (NM_001093772.2, NM_001385292.1); c.2874C>T, p.Ile958= (NM_001385284.1); c.2868C>T, p.Ile956= (NM_001385285.1); c.2856C>T, p.Ile952= (NM_001385286.1); c.2862C>T, p.Ile954= (NM_001385288.1); c.2871C>T, p.Ile957= (NM_001385290.1).
Identifiers: ClinVar variation 763639 (VCV000763639.12), dbSNP rs1578009941, ClinGen allele CA439292263.